The following is an entry in ClinVar:

ClinVar aggregate classification (germline): Uncertain significance (1 of 4 stars; one submission).

Conditions:
Dyskeratosis congenita, autosomal dominant 2. Identifiers: MedGen C3151443, MONDO:0013521, OMIM 613989.
Idiopathic Pulmonary Fibrosis. Also called: Idiopathic fibrosing alveolitis, chronic form; idiopathic fibrosing alveolitis. Identifiers: Orphanet 2032, MedGen C1800706, MeSH D054990, MONDO:0800504.

Submission:

Labcorp Genetics (formerly Invitae), Labcorp
Classification: Uncertain significance for Dyskeratosis congenita, autosomal dominant 2; Idiopathic Pulmonary Fibrosis. Last evaluated: 2022-02-11. Review status: criteria provided, single submitter. Criteria: Invitae Variant Classification Sherloc (09022015). Collection method: clinical testing. Allele origin: germline.
Comment: In summary, the available evidence is currently insufficient to determine the role of this variant in disease. Therefore, it has been classified as a Variant of Uncertain Significance. Experimental studies and prediction algorithms are not available or were not evaluated, and the functional significance of this variant is currently unknown. This variant has not been reported in the literature in individuals affected with TERT-related conditions. This variant is not present in population databases (gnomAD no frequency). This variant, c.508_531del, results in the deletion of 8 amino acid(s) of the TERT protein (p.Val170_Gln177del), but otherwise preserves the integrity of the reading frame.

NM_198253.3(TERT):c.508_531del (p.Val170_Gln177del)

Gene: TERT (telomerase reverse transcriptase; minus strand). Cytogenetic location: 5p15.33.
Variant type: Deletion.
Coding change: c.508_531del on transcript NM_198253.3 (MANE Select); coding-DNA positions 508 to 531, 24 bases deleted (GTGTGCGGGCCGCCGCTGTACCAG).
Protein change: p.Val170_Gln177del.
Molecular consequence: inframe deletion. On other transcripts: inframe indel (1), non-coding transcript variant (2).
Genome position (GRCh38, 1-based): chr5:1,294,355-1,294,378, CTGGTACAGCGGCGGCCCGCACAC deleted on the plus strand (GTGTGCGGGCCGCCGCTGTACCAG on the coding strand, the reverse complement: TERT is on the minus strand); deleting any 24 consecutive bases within chr5:1,294,355-1,294,384 gives the same sequence; the c. name uses the placement nearest the transcript's 3' end. VCF-style (leftmost placement, unchanged base first): chr5-1294354-GCTGGTACAGCGGCGGCCCGCACAC-G. GRCh37 (hg19) VCF-style: chr5-1294469-GCTGGTACAGCGGCGGCCCGCACAC-G.
Other names: c.508_531del, p.Val170_Gln177del (NM_001193376.3); c.502_525del24, p.Val170_Gln177del (NM_003219.1).
Identifiers: ClinVar variation 2096813 (VCV002096813.4), dbSNP rs2478425822, ClinGen allele CA2580072175.